The following is an entry in ClinVar:

NM_000419.5(ITGA2B):c.2741C>A (p.Ala914Glu)

Gene: ITGA2B (integrin subunit alpha 2b; minus strand). Cytogenetic location: 17q21.31.
Variant type: single nucleotide variant.
Coding change: c.2741C>A on transcript NM_000419.5 (MANE Select); coding-DNA position 2741, C replaced by A.
Protein change: p.Ala914Glu; replaces alanine 914 with glutamic acid.
Molecular consequence: missense variant.
Genome position (GRCh38, 1-based): chr17:44,375,098, G>T on the plus strand (C>A on the coding strand, the complement: ITGA2B is on the minus strand). VCF-style: chr17-44375098-G-T. GRCh37 (hg19) VCF-style: chr17-42452466-G-T.
Other names: short protein forms A914E.
Identifiers: ClinVar variation 2094989 (VCV002094989.4), dbSNP rs1398903914, ClinGen allele CA399792286.
Genomic context (GRCh38, chr17:44,375,098, plus strand): 5'-ACCATGGCCCGCTGCCCGCGCGCCATCTCCTGCAGGTCACACTGCACCACAGTACAGGGC[G>T]CCGAGTCGCAGCTCTGAGGGGAAGCATCGTCAGTCCCCAGCCCGTCCCGGCCCATCACCC-3'
Protein context (NP_000410.2, residues 904-924): QDPVLVSCDS[Ala914Glu]PCTVVQCDLQ

ClinVar aggregate classification (germline): Uncertain significance (1 of 4 stars; one submission).

Conditions:
Glanzmann thrombasthenia. Also called: BLEEDING DISORDER, PLATELET-TYPE, 2; THROMBASTHENIA OF GLANZMANN AND NAEGELI; Thrombasthenia; Glanzmann's thrombasthenia; PLATELET GLYCOPROTEIN IIb-IIIa DEFICIENCY. Identifiers: Orphanet 849, MedGen C0040015, MONDO:0100326.

Allele frequency attached by ClinVar (database versions not stated): gnomAD exomes below 0.00001.

Submission:

Labcorp Genetics (formerly Invitae), Labcorp
Classification: Uncertain significance for Glanzmann thrombasthenia. Last evaluated: 2022-02-08. Review status: criteria provided, single submitter. Criteria: Invitae Variant Classification Sherloc (09022015). Collection method: clinical testing. Allele origin: germline.
Comment: In summary, the available evidence is currently insufficient to determine the role of this variant in disease. Therefore, it has been classified as a Variant of Uncertain Significance. Algorithms developed to predict the effect of missense changes on protein structure and function (SIFT, PolyPhen-2, Align-GVGD) all suggest that this variant is likely to be tolerated. This variant has not been reported in the literature in individuals affected with ITGA2B-related conditions. This variant is not present in population databases (gnomAD no frequency). This sequence change replaces alanine, which is neutral and non-polar, with glutamic acid, which is acidic and polar, at codon 914 of the ITGA2B protein (p.Ala914Glu).